The following is an entry in ClinVar:

NM_006254.4(PRKCD):c.1784G>A (p.Gly595Glu)

Gene: PRKCD (protein kinase C delta; plus strand). Cytogenetic location: 3p21.1.
Variant type: single nucleotide variant.
Coding change: c.1784G>A on transcript NM_006254.4 (MANE Select); coding-DNA position 1784, G replaced by A.
Protein change: p.Gly595Glu; replaces glycine 595 with glutamic acid.
Molecular consequence: missense variant.
Genome position (GRCh38, 1-based): chr3:53,189,913, G>A. VCF-style: chr3-53189913-G-A. GRCh37 (hg19) VCF-style: chr3-53223929-G-A.
Other names: c.1784G>A, p.Gly595Glu (NM_001316327.2, NM_001354679.2, NM_001354680.2 and 1 more transcripts); c.1841G>A, p.Gly614Glu (NM_001354676.2); c.1832G>A, p.Gly611Glu (NM_001354678.2); short protein forms G614E, G611E, G595E.
Identifiers: ClinVar variation 944848 (VCV000944848.4), dbSNP rs1352945164, ClinGen allele CA353224320.
Genomic context (GRCh38, chr3:53,189,913, plus strand): 5'-GGGTCCCTGCTGGGTTGCAGCTCTTTGAAAGGGAACCAACCAAGAGGCTGGGAGTGACCG[G>A]AAACATCAAAATCCACCCCTTCTTCAAGACCATAAACTGGACTCTGCTGGAAAAGCGGAG-3'
Protein context (NP_006245.2, residues 585-605): REPTKRLGVT[Gly595Glu]NIKIHPFFKT

ClinVar aggregate classification (germline): Uncertain significance (1 of 4 stars; one submission).

Conditions:
Autoimmune lymphoproliferative syndrome, type III caused by mutation in PRKCD. Identifiers: Orphanet 3261, Orphanet 664711, MedGen C3809928, MONDO:8000024, OMIM 615559.

Allele frequency attached by ClinVar (database versions not stated): gnomAD exomes 0.00001 and below 0.00001; TOPMed 0.00002.
gnomAD v4.1: 16 of 1,614,202 alleles (0.00099%); highest among the groups gnomAD compares: Non-Finnish European, 0.0013%; no homozygotes.

Submission:

Labcorp Genetics (formerly Invitae), Labcorp
Classification: Uncertain significance for Autoimmune lymphoproliferative syndrome, type III caused by mutation in PRKCD. Last evaluated: 2022-02-04. Review status: criteria provided, single submitter. Criteria: Invitae Variant Classification Sherloc (09022015). Collection method: clinical testing. Allele origin: germline.
Comment: This sequence change replaces glycine, which is neutral and non-polar, with glutamic acid, which is acidic and polar, at codon 595 of the PRKCD protein (p.Gly595Glu). This variant is present in population databases (no rsID available, gnomAD 0.0009%). This variant has not been reported in the literature in individuals affected with PRKCD-related conditions. ClinVar contains an entry for this variant (Variation ID: 944848). Algorithms developed to predict the effect of missense changes on protein structure and function are either unavailable or do not agree on the potential impact of this missense change (SIFT: "Deleterious"; PolyPhen-2: "Probably Damaging"; Align-GVGD: "Class C0"). In summary, the available evidence is currently insufficient to determine the role of this variant in disease. Therefore, it has been classified as a Variant of Uncertain Significance.